The following is an entry in ClinVar:

ClinVar aggregate classification (germline): Uncertain significance. Review status: criteria provided, multiple submitters, no conflicts (2 of 4 stars). 3 submissions from 3 submitters: Uncertain significance (3). Last evaluated 2026-01-02.

Conditions:
NBAS-related disorder. Also called: NBAS-related condition.
Inborn genetic diseases. Identifiers: MedGen C0950123, MeSH D030342.

Allele frequency attached by ClinVar (database versions not stated): gnomAD 0.00001 and 0.00002; ExAC 0.00002; gnomAD exomes 0.00002; TOPMed 0.00004.
gnomAD v4.1: 37 of 1,612,860 alleles (0.0023%); highest among the groups gnomAD compares: Non-Finnish European, 0.0027%; no homozygotes.

Submissions (3):

PreventionGenetics, part of Exact Sciences
Classification: Uncertain significance for NBAS-related condition. Last evaluated: 2026-01-02. Review status: criteria provided, single submitter. Criteria: ACMG Guidelines, 2015. Collection method: clinical testing. Allele origin: germline.
Comment: The NBAS c.710A>G variant is predicted to result in the amino acid substitution p.His237Arg. To our knowledge, this variant has not been reported in the literature. This variant is reported in 0.0035% of alleles in individuals of European (Non-Finnish) descent in gnomAD. At this time, the clinical significance of this variant is uncertain due to the absence of conclusive functional and genetic evidence.

Ambry Genetics
Classification: Uncertain significance for Inborn genetic diseases. Last evaluated: 2024-08-07. Review status: criteria provided, single submitter. Criteria: Ambry Variant Classification Scheme 2023. Collection method: clinical testing. Allele origin: germline.

Labcorp Genetics (formerly Invitae), Labcorp
Classification: Uncertain significance. Last evaluated: 2021-11-13. Review status: criteria provided, single submitter. Criteria: Invitae Variant Classification Sherloc (09022015). Collection method: clinical testing. Allele origin: germline.
Comment: This sequence change replaces histidine, which is basic and polar, with arginine, which is basic and polar, at codon 237 of the NBAS protein (p.His237Arg). This variant is present in population databases (no rsID available, gnomAD 0.003%). This variant has not been reported in the literature in individuals affected with NBAS-related conditions. Algorithms developed to predict the effect of missense changes on protein structure and function output the following: SIFT: "Deleterious"; PolyPhen-2: "Benign"; Align-GVGD: "Class C25". The arginine amino acid residue is found in multiple mammalian species, which suggests that this missense change does not adversely affect protein function. In summary, the available evidence is currently insufficient to determine the role of this variant in disease. Therefore, it has been classified as a Variant of Uncertain Significance.

NM_015909.4(NBAS):c.710A>G (p.His237Arg)

Gene: NBAS (NBAS subunit of NRZ tethering complex; minus strand). Cytogenetic location: 2p24.3.
Variant type: single nucleotide variant.
Coding change: c.710A>G on transcript NM_015909.4 (MANE Select); coding-DNA position 710, A replaced by G.
Protein change: p.His237Arg; replaces histidine 237 with arginine.
Molecular consequence: missense variant. On other transcripts: non-coding transcript variant (1).
Genome position (GRCh38, 1-based): chr2:15,534,579, T>C on the plus strand (A>G on the coding strand, the complement: NBAS is on the minus strand). VCF-style: chr2-15534579-T-C. GRCh37 (hg19) VCF-style: chr2-15674703-T-C.
Other names: c.710A>G (NM_015909.3, NM_015909.2); short protein forms H237R.
Identifiers: ClinVar variation 1462932 (VCV001462932.5), dbSNP rs150075998, ClinGen allele CA1536937.
Genomic context (GRCh38, chr2:15,534,579, plus strand): 5'-ATATGAGAACAAATGGTTACTTACCTGTGACCAGGGTGGTAAATAGCTGTGTTGATTCCA[T>C]GAGGATAATGACTACTGAAGCTGAAACAGTGACTTTCTTGGTAGCTCTGATTTGTTCCAA-3'
Protein context (NP_056993.2, residues 227-247): HCFSFSSHYP[His237Arg]GINTAIYHPG